The following is an entry in ClinVar:

ClinVar aggregate classification (germline): Uncertain significance (1 of 4 stars; one submission).

Submission:

CeGaT Center for Human Genetics Tuebingen
Classification: Uncertain significance. Last evaluated: 2023-10-01. Review status: criteria provided, single submitter. Criteria: CeGaT Center For Human Genetics Tuebingen Variant Classification Criteria Version 2. Collection method: clinical testing. Allele origin: germline. Affected: yes. Observed: 1 variant allele.
Comment: ARHGEF10: PM2

NM_014629.4(ARHGEF10):c.3130C>T (p.Pro1044Ser)

Gene: ARHGEF10 (Rho guanine nucleotide exchange factor 10; plus strand). Cytogenetic location: 8p23.3.
Variant type: single nucleotide variant.
Coding change: c.3130C>T on transcript NM_014629.4 (MANE Select); coding-DNA position 3130, C replaced by T.
Protein change: p.Pro1044Ser; replaces proline 1044 with serine.
Molecular consequence: missense variant.
Genome position (GRCh38, 1-based): chr8:1,933,850, C>T. VCF-style: chr8-1933850-C-T. GRCh37 (hg19) VCF-style: chr8-1882016-C-T.
Other names: c.3016C>T, p.Pro1006Ser (NM_001308152.2); c.3130C>T, p.Pro1044Ser (NM_001308153.3); short protein forms P1006S, P1044S, P1068S.
Identifiers: ClinVar variation 2658304 (VCV002658304.24), dbSNP rs764159253, ClinGen allele CA369970561.